The following is an entry in ClinVar:

NC_000023.11:g.101841958T>C

Gene: NXF5 (nuclear RNA export factor 5; minus strand). Cytogenetic location: Xq22.1.
Variant type: single nucleotide variant.
Molecular consequence: non-coding transcript variant (on NR_028089.1).
Genome position: GRCh38 VCF-style: chrX-101841958-T-C. GRCh37 (hg19) VCF-style: chrX-101096930-T-C.
Other names: NM_032946.2:c.67A>G.
Identifiers: ClinVar variation 1600767 (VCV001600767.11), dbSNP rs55756985, ClinGen allele CA10474757.

ClinVar aggregate classification (germline): Benign. Review status: criteria provided, multiple submitters, no conflicts (2 of 4 stars). 3 submissions from 3 submitters: Benign (2). 1 of the submissions does not count toward it. Last evaluated 2026-01-27.

Conditions:
NXF5-related disorder. Also called: NXF5-related condition.

Allele frequency attached by ClinVar (database versions not stated): 1000 Genomes Project 0.00874; 1000 Genomes Project 30x 0.00874; ESP Exome Variant Server 0.02187.

Submissions (3):

Labcorp Genetics (formerly Invitae), Labcorp
Classification: Benign. Last evaluated: 2026-01-27. Review status: criteria provided, single submitter. Criteria: Invitae Variant Classification Sherloc (09022015). Collection method: clinical testing. Allele origin: germline.

Breakthrough Genomics
Classification: Benign. Review status: criteria provided, single submitter. Criteria: ACMG Guidelines, 2015. Collection method: not provided. Allele origin: germline. Inheritance: Unknown mechanism. Affected: yes.

PreventionGenetics, part of Exact Sciences
Classification: Benign for NXF5-related condition. Last evaluated: 2019-09-16. Review status: no assertion criteria provided. Collection method: clinical testing. Allele origin: germline. Not counted in ClinVar's aggregate classification.
Comment: This variant is classified as benign based on ACMG/AMP sequence variant interpretation guidelines (Richards et al. 2015 PMID: 25741868, with internal and published modifications).